The following is an entry in ClinVar:

NM_000428.3(LTBP2):c.2545G>C (p.Ala849Pro)

Gene: LTBP2 (latent transforming growth factor beta binding protein 2; minus strand). Cytogenetic location: 14q24.3.
Variant type: single nucleotide variant.
Coding change: c.2545G>C on transcript NM_000428.3 (MANE Select); coding-DNA position 2545, G replaced by C.
Protein change: p.Ala849Pro; replaces alanine 849 with proline.
Molecular consequence: missense variant.
Genome position (GRCh38, 1-based): chr14:74,522,904, C>G on the plus strand (G>C on the coding strand, the complement: LTBP2 is on the minus strand). VCF-style: chr14-74522904-C-G. GRCh37 (hg19) VCF-style: chr14-74989607-C-G.
Other names: short protein forms A849P.
Identifiers: ClinVar variation 2110039 (VCV002110039.4), dbSNP rs368247548, ClinGen allele CA390392395.

ClinVar aggregate classification (germline): Uncertain significance (1 of 4 stars; one submission).

Submission:

Labcorp Genetics (formerly Invitae), Labcorp
Classification: Uncertain significance. Last evaluated: 2022-03-12. Review status: criteria provided, single submitter. Criteria: Invitae Variant Classification Sherloc (09022015). Collection method: clinical testing. Allele origin: germline.
Comment: In summary, the available evidence is currently insufficient to determine the role of this variant in disease. Therefore, it has been classified as a Variant of Uncertain Significance. Algorithms developed to predict the effect of missense changes on protein structure and function are either unavailable or do not agree on the potential impact of this missense change (SIFT: "Tolerated"; PolyPhen-2: "Probably Damaging"; Align-GVGD: "Class C0"). This variant has not been reported in the literature in individuals affected with LTBP2-related conditions. This variant is not present in population databases (gnomAD no frequency). This sequence change replaces alanine, which is neutral and non-polar, with proline, which is neutral and non-polar, at codon 849 of the LTBP2 protein (p.Ala849Pro).